The following is an entry in ClinVar:

ClinVar aggregate classification (germline): Pathogenic (1 of 4 stars; one submission).

Conditions:
Okur-Chung neurodevelopmental syndrome (OCNDS). Identifiers: Orphanet 689422, MedGen C4310739, MONDO:0014893, OMIM 617062.

Submission:

Baylor Genetics
Classification: Pathogenic for Okur-Chung neurodevelopmental syndrome. Last evaluated: 2018-08-15. Review status: criteria provided, single submitter. Criteria: ACMG Guidelines, 2015. Collection method: clinical testing. Allele origin: de novo. Affected: yes.
Comment: This variant was determined to be pathogenic according to ACMG Guidelines, 2015 [PMID:25741868].

NM_177559.3(CSNK2A1):c.376del (p.Gln126fs)

Gene: CSNK2A1 (casein kinase 2 alpha 1; minus strand). Cytogenetic location: 20p13.
Variant type: Deletion.
Coding change: c.376del on transcript NM_177559.3 (MANE Select); coding-DNA position 376, one base deleted (C; older notation c.376delC).
Protein change: p.Gln126fs; shifts the reading frame from glutamine 126.
Molecular consequence: frameshift variant. On other transcripts: 5 prime UTR variant (1).
Genome position (GRCh38, 1-based): chr20:497,771, G deleted on the plus strand (C on the coding strand, the reverse complement: CSNK2A1 is on the minus strand); the first of 2 consecutive G bases (chr20:497,771-497,772); deleting either gives the same sequence. VCF-style (leftmost placement, unchanged base first): chr20-497770-TG-T. GRCh37 (hg19) VCF-style: chr20-478414-TG-T.
Other names: c.376del, p.Gln126fs (NM_001362770.2, NM_001362771.2, NM_001895.4); c.-33del (NM_177560.3); short protein forms Q126fs.
Identifiers: ClinVar variation 1033456 (VCV001033456.1), dbSNP rs2018375147, ClinGen allele CA2345223253.